The following is an entry in ClinVar:

NM_012388.4(BLOC1S6):c.358A>C (p.Lys120Gln)

Gene: BLOC1S6 (biogenesis of lysosomal organelles complex 1 subunit 6; plus strand). Cytogenetic location: 15q21.1.
Variant type: single nucleotide variant.
Coding change: c.358A>C on transcript NM_012388.4 (MANE Select); coding-DNA position 358, A replaced by C.
Protein change: p.Lys120Gln; replaces lysine 120 with glutamine.
Molecular consequence: missense variant. On other transcripts: 3 prime UTR variant (1), non-coding transcript variant (9).
Genome position (GRCh38, 1-based): chr15:45,605,473, A>C. VCF-style: chr15-45605473-A-C. GRCh37 (hg19) VCF-style: chr15-45897671-A-C.
Other names: c.373A>C, p.Lys125Gln (NM_001311255.1); c.*9A>C (NM_001311256.1); short protein forms K125Q, K120Q.
Identifiers: ClinVar variation 1504215 (VCV001504215.6), dbSNP rs2140919031, ClinGen allele CA392300628.

ClinVar aggregate classification (germline): Uncertain significance (1 of 4 stars; one submission).

Conditions:
Hermansky-Pudlak syndrome 9 (HPS9). Identifiers: Orphanet 280663, Orphanet 79430, MedGen C3280026, MONDO:0013606, OMIM 614171.

Submission:

Labcorp Genetics (formerly Invitae), Labcorp
Classification: Uncertain significance for Hermansky-Pudlak syndrome 9. Last evaluated: 2021-11-16. Review status: criteria provided, single submitter. Criteria: Invitae Variant Classification Sherloc (09022015). Collection method: clinical testing. Allele origin: germline.
Comment: Algorithms developed to predict the effect of missense changes on protein structure and function are either unavailable or do not agree on the potential impact of this missense change (SIFT: "Deleterious"; PolyPhen-2: "Possibly Damaging"; Align-GVGD: "Class C0"). This variant has not been reported in the literature in individuals affected with BLOC1S6-related conditions. This variant is not present in population databases (gnomAD no frequency). This sequence change replaces lysine, which is basic and polar, with glutamine, which is neutral and polar, at codon 120 of the BLOC1S6 protein (p.Lys120Gln). In summary, the available evidence is currently insufficient to determine the role of this variant in disease. Therefore, it has been classified as a Variant of Uncertain Significance.